The following is an entry in ClinVar:

GRCh38/hg38 16p13.11(chr16:15457205-16100718)x3

Genes: ABCC1 (ATP binding cassette subfamily C member 1 (ABCC1 blood group); plus strand), BMERB1 (bMERB domain containing 1; plus strand), CEP20 (centrosomal protein 20; minus strand), MARF1 (meiosis regulator and mRNA stability factor 1; minus strand), MIR484 (microRNA 484; plus strand) and 17 more. Cytogenetic location: 16p13.11.
Variant type: copy number gain.
Change: copy number 3 (three copies instead of two) of chr16:15,457,205-16,100,718 (643.5 kb, GRCh38 coordinates, 1-based), cytogenetic band 16p13.11.
Identifiers: ClinVar variation 146728 (VCV000146728.2).

ClinVar aggregate classification (germline): conflicting data from submitters (0 of 4 stars; one submission).

Submission:

ISCA site 4
Classification: conflicting data from submitters. Last evaluated: 2012-09-21. Review status: no assertion criteria provided. Collection method: clinical testing. Allele origin: unknown. Affected: yes. Observed: 3 variant alleles. Clinical features observed: Global developmental delay (HP:0001263), Malformation of the heart and great vessels (HP:0002564), Autism (HP:0000717), Incoordination (HP:0002311).
Comment: Likely pathogenic(1), Uncertain significance(2)

Copy number variation identified through the course of routine clinical cytogenomic testing in postnatal populations, with clinical assertions as classified by the original submitter.